The following is an entry in ClinVar:

ClinVar aggregate classification (germline): Conflicting classifications of pathogenicity. Review status: criteria provided, conflicting classifications (1 of 4 stars). 5 submissions from 5 submitters: Pathogenic (2); Likely pathogenic (1); Uncertain significance (1). 1 of the submissions does not count toward it. Last evaluated 2025-06-29.

Conditions:
Glycine encephalopathy 1 (GCE1). Identifiers: MedGen CN376801, MONDO:0958179, OMIM 605899.
Glycine encephalopathy. Also called: Nonketotic hyperglycinemia; Non-ketotic hyperglycinemia. Identifiers: Orphanet 407, MedGen C0751748, MONDO:0011612, HP:0008288.

gnomAD v4.1: 3 of 1,609,332 alleles (0.00019%); highest among the groups gnomAD compares: African/African-American, 0.0013%; no homozygotes.

Submissions (5):

Labcorp Genetics (formerly Invitae), Labcorp
Classification: Pathogenic for Glycine encephalopathy. Last evaluated: 2025-06-29. Review status: criteria provided, single submitter. Criteria: Invitae Variant Classification Sherloc (09022015). Collection method: clinical testing. Allele origin: germline.
Comment: This sequence change replaces methionine, which is neutral and non-polar, with valine, which is neutral and non-polar, at codon 552 of the GLDC protein (p.Met552Val). This variant is not present in population databases (gnomAD no frequency). This missense change has been observed in individual(s) with nonketotic hyperglycinemia (PMID: 20933183). In at least one individual the data is consistent with being in trans (on the opposite chromosome) from a pathogenic variant. ClinVar contains an entry for this variant (Variation ID: 56048). Invitae Evidence Modeling of protein sequence and biophysical properties (such as structural, functional, and spatial information, amino acid conservation, physicochemical variation, residue mobility, and thermodynamic stability) indicates that this missense variant is expected to disrupt GLDC protein function with a positive predictive value of 95%. For these reasons, this variant has been classified as Pathogenic.

Fulgent Genetics
Classification: Likely pathogenic for Glycine encephalopathy 1. Last evaluated: 2024-05-01. Review status: criteria provided, single submitter. Criteria: ACMG Guidelines, 2015. Collection method: clinical testing. Allele origin: germline.

Myriad Genetics, Inc.
Classification: Uncertain significance for Glycine encephalopathy 1. Last evaluated: 2021-11-08. Review status: criteria provided, single submitter. Criteria: Myriad Women's Health Autosomal Recessive and X-Linked Classification Criteria (2021). Collection method: clinical testing. Allele origin: unknown.
Comment: NM_000170.2(GLDC):c.1654A>G(M552V) is a missense variant classified as a variant of uncertain significance in the context of glycine encephalopathy, GLDC-related. M552V has been observed in cases with relevant disease (PMID: 20933183). Functional assessments of this variant are not available in the literature. M552V has not been observed in population frequency databases. In summary, there is insufficient evidence to classify NM_000170.2(GLDC):c.1654A>G(M552V) as pathogenic or benign. Please note: this variant was assessed in the context of healthy population screening.

Institute of Human Genetics Munich, TUM University Hospital
Classification: Pathogenic for Glycine encephalopathy 1. Last evaluated: 2019-10-23. Review status: criteria provided, single submitter. Criteria: Classification criteria August 2017. Collection method: clinical testing. Allele origin: paternal. Inheritance: Autosomal recessive inheritance. Affected: yes. Observed: 1 compound heterozygote.

Juha Muilu Group; Institute for Molecular Medicine Finland (FIMM)
Classification: Likely pathogenic for Non-ketotic hyperglycinemia. Review status: no assertion criteria provided. Collection method: not provided. Allele origin: unknown. Not counted in ClinVar's aggregate classification.
Comment: FinDis database variant: This variant was not found or characterized by our laboratory, data were collected from public sources: see reference
ClinVar note: Converted during submission from probable-pathogenic to Likely pathogenic.

Literature cited by the submitters: PubMed 20933183 (cited by Labcorp Genetics (formerly Invitae), Labcorp and Myriad Genetics, Inc.).

NM_000170.3(GLDC):c.1654A>G (p.Met552Val)

Gene: GLDC (glycine decarboxylase; minus strand). Cytogenetic location: 9p24.1.
Variant type: single nucleotide variant.
Coding change: c.1654A>G on transcript NM_000170.3 (MANE Select); coding-DNA position 1654, A replaced by G.
Protein change: p.Met552Val; replaces methionine 552 with valine.
Molecular consequence: missense variant.
Genome position (GRCh38, 1-based): chr9:6,588,629, T>C on the plus strand (A>G on the coding strand, the complement: GLDC is on the minus strand). VCF-style: chr9-6588629-T-C. GRCh37 (hg19) VCF-style: chr9-6588629-T-C.
Other names: short protein forms M552V.
Identifiers: ClinVar variation 56048 (VCV000056048.18), dbSNP rs386833529, ClinGen allele CA263305.
Genomic context (GRCh38, chr9:6,588,629, plus strand): 5'-GTGGGATTGGGGTAGCTTGGAAATGAGAAAAAAGGCCACAAATAACTACCAGTGGAATCA[T>C]GCTGTGAACAAGGGAAATGTCTTTATTTTCCAGTTTCTTCATGTACCGGACAATGTTTGT-3'
Protein context (NP_000161.2, residues 542-562): ENKDISLVHS[Met552Val]IPLGSCTMKL